The following is an entry in ClinVar:

ClinVar aggregate classification (germline): Uncertain significance (1 of 4 stars; one submission).

Submission:

Labcorp Genetics (formerly Invitae), Labcorp
Classification: Uncertain significance. Last evaluated: 2025-09-03. Review status: criteria provided, single submitter. Criteria: Invitae Variant Classification Sherloc (09022015). Collection method: clinical testing. Allele origin: germline.
Comment: This variant, c.156_158del, results in the deletion of 1 amino acid(s) of the RCOR1 protein (p.Ser53del), but otherwise preserves the integrity of the reading frame. The frequency data for this variant in the population databases is considered unreliable, as metrics indicate poor data quality at this position in the gnomAD database. This variant has not been reported in the literature in individuals affected with RCOR1-related conditions. Experimental studies and prediction algorithms are not available or were not evaluated, and the functional significance of this variant is currently unknown. In summary, the available evidence is currently insufficient to determine the role of this variant in disease. Therefore, it has been classified as a Variant of Uncertain Significance.

NM_015156.4(RCOR1):c.153CTC[1] (p.Ser53del)

Genes: RCOR1 (REST corepressor 1; plus strand), LOC130056530 (ATAC-STARR-seq lymphoblastoid silent region 6127; plus strand). Cytogenetic location: 14q32.31.
Variant type: Microsatellite.
Coding change: c.153CTC[1] on transcript NM_015156.4 (MANE Select); one copy of the 3-base unit CTC starting at c.153; the reference has two copies in a row; one copy, 3 bases deleted.
Protein change: p.Ser53del; deletes serine 53.
Molecular consequence: inframe deletion.
Genome position (GRCh38, 1-based): chr14:102,593,042-102,593,044, CTC deleted; deleting any 3 consecutive bases within chr14:102,593,038-102,593,044 gives the same sequence; the position shown is the placement nearest the transcript's 3' end. VCF-style (leftmost placement, unchanged base first): chr14-102593037-GCCT-G. GRCh37 (hg19) VCF-style: chr14-103059374-GCCT-G.
Other names: short protein forms S53del.
Identifiers: ClinVar variation 2715840 (VCV002715840.3), dbSNP rs908905035, ClinGen allele CA267349505.